The following is an entry in ClinVar:

ClinVar aggregate classification (germline): Uncertain significance. Review status: criteria provided, multiple submitters, no conflicts (2 of 4 stars). 3 submissions from 3 submitters: Uncertain significance (3). Last evaluated 2025-06-29.

Conditions:
Inborn genetic diseases. Identifiers: MedGen C0950123, MeSH D030342.
Fanconi anemia (FA). Also called: Fanconi's anemia. Identifiers: Orphanet 84, MedGen C0015625, MeSH D005199, MONDO:0019391.
Fanconi anemia complementation group A (FANCA). Also called: FANCA-Related Fanconi Anemia; Fanconi anemia, group A. Identifiers: Orphanet 84, MedGen C3469521, MONDO:0009215, OMIM 227650.

Allele frequency attached by ClinVar (database versions not stated): gnomAD 0.00002; TOPMed 0.00002.
gnomAD v4.1: 3 of 1,614,014 alleles (0.00019%); highest among the groups gnomAD compares: African/African-American, 0.004%; no homozygotes.

Submissions (3):

Ambry Genetics
Classification: Uncertain significance for Inborn genetic diseases. Last evaluated: 2025-06-29. Review status: criteria provided, single submitter. Criteria: Ambry Variant Classification Scheme 2023. Collection method: clinical testing. Allele origin: germline.
Comment: The p.E38A variant (also known as c.113A>C), located in coding exon 2 of the FANCA gene, results from an A to C substitution at nucleotide position 113. The glutamic acid at codon 38 is replaced by alanine, an amino acid with dissimilar properties. This amino acid position is conserved. In addition, this alteration is predicted to be tolerated by in silico analysis. Based on the available evidence, the clinical significance of this variant remains unclear.

Fulgent Genetics
Classification: Uncertain significance for Fanconi anemia complementation group A. Last evaluated: 2024-02-19. Review status: criteria provided, single submitter. Criteria: ACMG Guidelines, 2015. Collection method: clinical testing. Allele origin: germline.

Labcorp Genetics (formerly Invitae), Labcorp
Classification: Uncertain significance for Fanconi anemia. Last evaluated: 2022-07-28. Review status: criteria provided, single submitter. Criteria: Invitae Variant Classification Sherloc (09022015). Collection method: clinical testing. Allele origin: germline.
Comment: This sequence change replaces glutamic acid, which is acidic and polar, with alanine, which is neutral and non-polar, at codon 38 of the FANCA protein (p.Glu38Ala). This variant is present in population databases (no rsID available, gnomAD 0.01%). This variant has not been reported in the literature in individuals affected with FANCA-related conditions. Advanced modeling of protein sequence and biophysical properties (such as structural, functional, and spatial information, amino acid conservation, physicochemical variation, residue mobility, and thermodynamic stability) performed at Invitae indicates that this missense variant is not expected to disrupt FANCA protein function. In summary, the available evidence is currently insufficient to determine the role of this variant in disease. Therefore, it has been classified as a Variant of Uncertain Significance.

NM_000135.4(FANCA):c.113A>C (p.Glu38Ala)

Gene: FANCA (FA complementation group A; minus strand). Cytogenetic location: 16q24.3.
Variant type: single nucleotide variant.
Coding change: c.113A>C on transcript NM_000135.4 (MANE Select); coding-DNA position 113, A replaced by C.
Protein change: p.Glu38Ala; replaces glutamic acid 38 with alanine.
Molecular consequence: missense variant.
Genome position (GRCh38, 1-based): chr16:89,815,953, T>G on the plus strand (A>C on the coding strand, the complement: FANCA is on the minus strand). VCF-style: chr16-89815953-T-G. GRCh37 (hg19) VCF-style: chr16-89882361-T-G.
Other names: c.113A>C, p.Glu38Ala (NM_001018112.3, NM_001286167.3, NM_001351830.2); short protein forms E38A.
Identifiers: ClinVar variation 2062074 (VCV002062074.3), dbSNP rs957315731, ClinGen allele CA286612259.